The following is an entry in ClinVar:

NM_000069.3(CACNA1S):c.2854-1G>A

Gene: CACNA1S (calcium voltage-gated channel subunit alpha1 S; minus strand). Cytogenetic location: 1q32.1.
Variant type: single nucleotide variant.
Coding change: c.2854-1G>A on transcript NM_000069.3 (MANE Select); the canonical splice acceptor site of the intron before coding-DNA position 2854, G replaced by A.
Molecular consequence: splice acceptor variant.
Genome position (GRCh38, 1-based): chr1:201,062,515, C>T on the plus strand (G>A on the coding strand, the complement: CACNA1S is on the minus strand). VCF-style: chr1-201062515-C-T. GRCh37 (hg19) VCF-style: chr1-201031643-C-T.
Identifiers: ClinVar variation 3069312 (VCV003069312.1), dbSNP rs2464504216, ClinGen allele CA344164746.
Genomic context (GRCh38, chr1:201,062,515, plus strand): 5'-CATGTACCTGCACTCCTCCTCTGTCATCTTGGACAAGTCGGTGCACCTGAAGAACTTCCC[C>T]TGCAGCCAGGAAGAGGGAGGGAGGGAGGGAGGCATGTTGTCATGGAAACAGGATAGAAAA-3'

ClinVar aggregate classification (germline): Uncertain significance (1 of 4 stars; one submission).

Conditions:
Malignant hyperthermia, susceptibility to, 5 (MHS5). Also called: CACNA1S-Related Malignant Hyperthermia Susceptibility. Identifiers: Orphanet 423, MedGen C1866077, MONDO:0011163, OMIM 601887.

Allele frequency attached by ClinVar (database versions not stated): gnomAD exomes below 0.00001.
gnomAD v4.1: 1 of 1,611,170 alleles (0.000062%); highest among the groups gnomAD compares: Non-Finnish European, 0.000085%; no homozygotes.

Submission:

All of Us Research Program, National Institutes of Health
Classification: Uncertain significance for Malignant hyperthermia, susceptibility to, 5. Last evaluated: 2022-12-05. Review status: criteria provided, single submitter. Criteria: ACMG Guidelines, 2015. Collection method: clinical testing. Allele origin: germline. Inheritance: Autosomal dominant inheritance. Observed: 1 variant allele, 1 heterozygote.
Comment: This variant causes a G to A nucleotide substitution at the -1 position of intron 22 of the CACNA1S gene. To our knowledge, functional studies have not been reported for this variant. This variant has not been reported in individuals affected with malignant hyperthermia in the literature. This variant has not been identified in the general population by the Genome Aggregation Database (gnomAD). The available evidence is insufficient to determine the role of this variant in disease conclusively. Therefore, this variant is classified as a Variant of Uncertain Significance.

This study involves interpretation of variants in research participants for the purpose of population health screening. Participant phenotype was not available at the time of variant classification. Additional details can be found in publication PMID: 35346344, PMCID: PMC8962531